The following is an entry in ClinVar:

ClinVar aggregate classification (germline): Uncertain significance (1 of 4 stars; one submission).

Allele frequency attached by ClinVar (database versions not stated): gnomAD 0.00002; TOPMed 0.00002; ExAC 0.00007; 1000 Genomes Project 30x 0.00016; 1000 Genomes Project 0.00020.
gnomAD v4.1: 47 of 1,613,812 alleles (0.0029%); highest among the groups gnomAD compares: South Asian, 0.044%; 1 homozygote.

Submission:

Labcorp Genetics (formerly Invitae), Labcorp
Classification: Uncertain significance. Last evaluated: 2021-12-24. Review status: criteria provided, single submitter. Criteria: Invitae Variant Classification Sherloc (09022015). Collection method: clinical testing. Allele origin: germline.
Comment: This sequence change replaces glutamic acid, which is acidic and polar, with lysine, which is basic and polar, at codon 151 of the ACBD5 protein (p.Glu151Lys). This variant is present in population databases (rs200352489, gnomAD 0.04%). This variant has not been reported in the literature in individuals affected with ACBD5-related conditions. Algorithms developed to predict the effect of missense changes on protein structure and function are either unavailable or do not agree on the potential impact of this missense change (SIFT: "Tolerated"; PolyPhen-2: "Probably Damaging"; Align-GVGD: "Class C0"). In summary, the available evidence is currently insufficient to determine the role of this variant in disease. Therefore, it has been classified as a Variant of Uncertain Significance.

NM_145698.5(ACBD5):c.451G>A (p.Glu151Lys)

Gene: ACBD5 (acyl-CoA binding domain containing 5; minus strand). Cytogenetic location: 10p12.1.
Variant type: single nucleotide variant.
Coding change: c.451G>A on transcript NM_145698.5 (MANE Select); coding-DNA position 451, G replaced by A.
Protein change: p.Glu151Lys; replaces glutamic acid 151 with lysine.
Molecular consequence: missense variant.
Genome position (GRCh38, 1-based): chr10:27,223,377, C>T on the plus strand (G>A on the coding strand, the complement: ACBD5 is on the minus strand). VCF-style: chr10-27223377-C-T. GRCh37 (hg19) VCF-style: chr10-27512306-C-T.
Other names: c.346G>A, p.Glu116Lys (NM_001042473.4, NM_001352574.2, NM_001352575.2 and 6 more transcripts); c.445G>A, p.Glu149Lys (NM_001271512.3, NM_001352571.1, NM_001352586.1 and 1 more transcripts); c.124G>A, p.Glu42Lys (NM_001301251.2, NM_001301252.2, NM_001301253.2 and 4 more transcripts); c.472G>A, p.Glu158Lys (NM_001352568.1, NM_001352572.1); c.451G>A, p.Glu151Lys (NM_001352569.1, NM_001352570.1, NM_001352573.1 and 2 more transcripts); short protein forms E149K, E151K, E158K, E116K, E42K.
Identifiers: ClinVar variation 1909856 (VCV001909856.2), dbSNP rs200352489, ClinGen allele CA5450954.